The following is an entry in ClinVar:

ClinVar aggregate classification (germline): Conflicting classifications of pathogenicity. Review status: criteria provided, conflicting classifications (1 of 4 stars). 4 submissions from 4 submitters: Uncertain significance (2); Likely benign (1). 1 of the submissions does not count toward it. Last evaluated 2025-11-06.

Conditions:
Inborn genetic diseases. Identifiers: MedGen C0950123, MeSH D030342.
ATRX-related disorder. Also called: ATRX-related condition.
Alpha thalassemia-X-linked intellectual disability syndrome (ATRX). Also called: ALPHA-THALASSEMIA/MENTAL RETARDATION SYNDROME, X-LINKED; ATR, NONDELETION TYPE; ALPHA-THALASSEMIA/IMPAIRED INTELLECTUAL DEVELOPMENT SYNDROME, X-LINKED; X-linked alpha-thalassemia-mental retardation syndrome; ATR-X syndrome; Alpha thalassemia mental retardation syndrome, nondeletion type, X-linked. Identifiers: Orphanet 847, MedGen C1845055, MONDO:0010519, OMIM 301040.

Allele frequency attached by ClinVar (database versions not stated): gnomAD exomes 0.00001; TOPMed 0.00003; ExAC 0.00001; gnomAD 0.00003.
gnomAD v4.1: 9 of 1,205,056 alleles (0.00075%); highest among the groups gnomAD compares: African/African-American, 0.0017%; no homozygotes.

Submissions (4):

Labcorp Genetics (formerly Invitae), Labcorp
Classification: Likely benign for Alpha thalassemia-X-linked intellectual disability syndrome. Last evaluated: 2025-11-06. Review status: criteria provided, single submitter. Criteria: Invitae Variant Classification Sherloc (09022015). Collection method: clinical testing. Allele origin: germline.

PreventionGenetics, part of Exact Sciences
Classification: Uncertain significance for ATRX-related condition. Last evaluated: 2023-05-01. Review status: criteria provided, single submitter. Criteria: ACMG Guidelines, 2015. Collection method: clinical testing. Allele origin: germline.
Comment: The ATRX c.4210A>G variant is predicted to result in the amino acid substitution p.Thr1404Ala. To our knowledge, this variant has not been reported in the literature. This variant is reported in 0.0024% of alleles in individuals of European (Non-Finnish) descent in gnomAD. At this time, the clinical significance of this variant is uncertain due to the absence of conclusive functional and genetic evidence.

Ambry Genetics
Classification: Uncertain significance for Inborn genetic diseases. Last evaluated: 2018-11-16. Review status: criteria provided, single submitter. Criteria: Ambry Variant Classification Scheme 2023. Collection method: clinical testing. Allele origin: germline.
Comment: The p.T1404A variant (also known as c.4210A>G), located in coding exon 13 of the ATRX gene, results from an A to G substitution at nucleotide position 4210. The threonine at codon 1404 is replaced by alanine, an amino acid with similar properties. This amino acid position is highly conserved in available vertebrate species. In addition, the in silico prediction for this alteration is inconclusive. Since supporting evidence is limited at this time, the clinical significance of this alteration remains unclear.

Natera, Inc.
Classification: Uncertain significance for X-linked alpha-thalassemia-mental retardation syndrome. Last evaluated: 2019-10-28. Review status: no assertion criteria provided. Collection method: clinical testing. Allele origin: germline. Not counted in ClinVar's aggregate classification.

NM_000489.6(ATRX):c.4210A>G (p.Thr1404Ala)

Gene: ATRX (ATRX chromatin remodeler; minus strand). Cytogenetic location: Xq21.1.
Variant type: single nucleotide variant.
Coding change: c.4210A>G on transcript NM_000489.6 (MANE Select); coding-DNA position 4210, A replaced by G.
Protein change: p.Thr1404Ala; replaces threonine 1404 with alanine.
Molecular consequence: missense variant.
Genome position (GRCh38, 1-based): chrX:77,656,564, T>C on the plus strand (A>G on the coding strand, the complement: ATRX is on the minus strand). VCF-style: chrX-77656564-T-C. GRCh37 (hg19) VCF-style: chrX-76912054-T-C.
Other names: c.4210A>G (NM_000489.3); c.4096A>G, p.Thr1366Ala (NM_138270.5); short protein forms T1404A, T1366A.
Identifiers: ClinVar variation 533629 (VCV000533629.18), dbSNP rs781835568, ClinGen allele CA10457838.